The following is an entry in ClinVar:

ClinVar aggregate classification (germline): Conflicting classifications of pathogenicity. Review status: criteria provided, conflicting classifications (1 of 4 stars). 3 submissions from 3 submitters: Uncertain significance (2); Likely benign (1). Last evaluated 2026-01-12.

Conditions:
Vitamin D-dependent rickets, type 1A. Also called: VITAMIN D HYDROXYLATION-DEFICIENT RICKETS, TYPE 1A; PDDR IA; PSEUDOVITAMIN D-DEFICIENCY RICKETS, TYPE IA. Identifiers: MedGen CN283242, MONDO:0020723, OMIM 264700.

Allele frequency attached by ClinVar (database versions not stated): gnomAD 0.00001; gnomAD exomes 0.00002; TOPMed 0.00002; ESP Exome Variant Server 0.00008.
gnomAD v4.1: 32 of 1,551,396 alleles (0.0021%); highest among the groups gnomAD compares: Non-Finnish European, 0.0027%; no homozygotes.

Submissions (3):

Labcorp Genetics (formerly Invitae), Labcorp
Classification: Uncertain significance. Last evaluated: 2026-01-12. Review status: criteria provided, single submitter. Criteria: Invitae Variant Classification Sherloc (09022015). Collection method: clinical testing. Allele origin: germline.
Comment: This sequence change replaces arginine, which is basic and polar, with glutamine, which is neutral and polar, at codon 104 of the CYP27B1 protein (p.Arg104Gln). This variant is present in population databases (rs370689065, gnomAD 0.005%). This variant has not been reported in the literature in individuals affected with CYP27B1-related conditions. ClinVar contains an entry for this variant (Variation ID: 1960647). Invitae Evidence Modeling of protein sequence and biophysical properties (such as structural, functional, and spatial information, amino acid conservation, physicochemical variation, residue mobility, and thermodynamic stability) indicates that this missense variant is not expected to disrupt CYP27B1 protein function with a negative predictive value of 80%. In summary, the available evidence is currently insufficient to determine the role of this variant in disease. Therefore, it has been classified as a Variant of Uncertain Significance.

Blueprint Genetics
Classification: Likely benign. Last evaluated: 2024-11-13. Review status: criteria provided, single submitter. Criteria: ACMG Guidelines, 2015. Collection method: clinical testing. Allele origin: germline.

Fulgent Genetics
Classification: Uncertain significance for Vitamin D-dependent rickets, type 1A. Last evaluated: 2024-04-17. Review status: criteria provided, single submitter. Criteria: ACMG Guidelines, 2015. Collection method: clinical testing. Allele origin: germline.

NM_000785.4(CYP27B1):c.311G>A (p.Arg104Gln)

Gene: CYP27B1 (cytochrome P450 family 27 subfamily B member 1; minus strand). Cytogenetic location: 12q14.1.
Variant type: single nucleotide variant.
Coding change: c.311G>A on transcript NM_000785.4 (MANE Select); coding-DNA position 311, G replaced by A.
Protein change: p.Arg104Gln; replaces arginine 104 with glutamine.
Molecular consequence: missense variant.
Genome position (GRCh38, 1-based): chr12:57,766,082, C>T on the plus strand (G>A on the coding strand, the complement: CYP27B1 is on the minus strand). VCF-style: chr12-57766082-C-T. GRCh37 (hg19) VCF-style: chr12-58159865-C-T.
Other names: short protein forms R104Q.
Identifiers: ClinVar variation 1960647 (VCV001960647.5), dbSNP rs370689065, ClinGen allele CA6658500.
Genomic context (GRCh38, chr12:57,766,082, plus strand): 5'-CAAGCCCGCTGGCGGCAGCGGCGGTGCTCCGTCCAGGGCGAGAAGCTGCAGCGCTCGGGC[C>T]GGGGTCCCTCCTGTCGCAGCAGCTCCTCGACGAGTGCAGGGGCAGCCACGTACACGGTGC-3'
Protein context (NP_000776.1, residues 94-114): VEELLRQEGP[Arg104Gln]PERCSFSPWT